The following is an entry in ClinVar:

NM_002739.5(PRKCG):c.383G>A (p.Gly128Asp)

Gene: PRKCG (protein kinase C gamma; plus strand). Cytogenetic location: 19q13.42.
Variant type: single nucleotide variant.
Coding change: c.383G>A on transcript NM_002739.5 (MANE Select); coding-DNA position 383, G replaced by A.
Protein change: p.Gly128Asp; replaces glycine 128 with aspartic acid.
Molecular consequence: missense variant.
Genome position (GRCh38, 1-based): chr19:53,889,735, G>A. VCF-style: chr19-53889735-G-A. GRCh37 (hg19) VCF-style: chr19-54392989-G-A.
Other names: c.383g>a; c.383G>A, p.Gly128Asp (NM_001316329.2, LRG_669t1); c.383G>A (NM_002739.3); short protein forms G128D.
Identifiers: ClinVar variation 13246 (VCV000013246.5), dbSNP rs121918513, ClinGen allele CA341261.

ClinVar aggregate classification (germline): Pathogenic. Review status: criteria provided, single submitter (1 of 4 stars). 3 submissions from 3 submitters: Pathogenic (1). 2 of the submissions do not count toward it. Last evaluated 2025-06-12.

Conditions:
Spinocerebellar ataxia type 14 (SCA14). Identifiers: Orphanet 98763, MedGen C1854369, MONDO:0011540, OMIM 605361.

Submissions (3):

GeneDx
Classification: Pathogenic. Last evaluated: 2025-06-12. Review status: criteria provided, single submitter. Criteria: GeneDx Variant Classification Process June 2021. Collection method: clinical testing. Allele origin: germline.
Comment: Reported previously in a patient with spinocerebellar ataxia and not seen in controls; however, no further clinical information was provided (PMID: 12644968); Published functional studies demonstrate a damaging effect and show that this variant is associated with abnormal aggregation within cells, decreased colocalization with Golgi complex, decreased phosphorylation at key sites for PKC activation, and increased cell death (PMID: 15964845, 35760954); In silico analysis supports that this missense variant has a deleterious effect on protein structure/function; Not observed at significant frequency in large population cohorts (gnomAD); This variant is associated with the following publications: (PMID: 17493614, 18503760, 22363588, 24030952, 19041943, 24744737, 18005063, 24021284, 35760954, 25217572, 15964845, 18499672, 20705605, 30093405, 17024314, 37970274, 18986758, 12644968)

OMIM
Classification: Pathogenic for SPINOCEREBELLAR ATAXIA 14. Last evaluated: 2006-01-01. Review status: no assertion criteria provided. Collection method: literature only. Allele origin: germline. Not counted in ClinVar's aggregate classification.

GeneReviews
No classification provided. Condition: Spinocerebellar ataxia type 14. Review status: no classification provided. Collection method: literature only. Allele origin: germline. Not counted in ClinVar's aggregate classification.

Literature cited by the submitters: PubMed 12644968 (cited by OMIM); PubMed 17024314 (cited by OMIM); NCBI Bookshelf NBK1399 (cited by GeneReviews); PubMed 20301573 (cited by GeneReviews).